The following is an entry in ClinVar:

NM_001369.3(DNAH5):c.12279C>T (p.Asn4093=)

Gene: DNAH5 (dynein axonemal heavy chain 5; minus strand). Cytogenetic location: 5p15.2.
Variant type: single nucleotide variant.
Coding change: c.12279C>T on transcript NM_001369.3 (MANE Select); coding-DNA position 12279, C replaced by T.
Protein change: p.Asn4093=; no amino-acid change (asparagine 4093 retained).
Molecular consequence: synonymous variant.
Genome position (GRCh38, 1-based): chr5:13,721,000, G>A on the plus strand (C>T on the coding strand, the complement: DNAH5 is on the minus strand). VCF-style: chr5-13721000-G-A. GRCh37 (hg19) VCF-style: chr5-13721109-G-A.
Identifiers: ClinVar variation 1754431 (VCV001754431.3), dbSNP rs572468560, ClinGen allele CA3201698.

ClinVar aggregate classification (germline): Conflicting classifications of pathogenicity. Review status: criteria provided, conflicting classifications (1 of 4 stars). 2 submissions from 2 submitters: Uncertain significance (1); Likely benign (1). Last evaluated 2023-09-26.

Conditions:
Primary ciliary dyskinesia. Also called: Ciliary dyskinesia. Identifiers: Orphanet 244, MedGen C0008780, MONDO:0016575, HP:0012265.
Primary ciliary dyskinesia 3. Identifiers: Orphanet 244, MedGen C1837618, MONDO:0012085, OMIM 608644.

Allele frequency attached by ClinVar (database versions not stated): gnomAD exomes 0.00001; ExAC 0.00002; gnomAD 0.00003; TOPMed 0.00003; 1000 Genomes Project 30x 0.00016; 1000 Genomes Project 0.00020.
gnomAD v4.1: 26 of 1,613,998 alleles (0.0016%); highest among the groups gnomAD compares: East Asian, 0.0089%; no homozygotes.

Submissions (2):

ARUP Laboratories, Molecular Genetics and Genomics, ARUP Laboratories
Classification: Uncertain significance for Primary ciliary dyskinesia 3. Last evaluated: 2023-09-26. Review status: criteria provided, single submitter. Criteria: ARUP Molecular Germline Variant Investigation Process 2024. Collection method: clinical testing. Allele origin: germline.
Comment: The DNAH5 c.12279C>T; p.Asn4093= variant (rs572468560), to our knowledge, is not reported in the medical literature but is reported in ClinVar (Variation ID: 1754431). This variant is found in the general population with an overall allele frequency of 0.0036% (9/2510556 alleles) in the Genome Aggregation Database. This is a synonymous variant at the last nucleotide of exon 71, and computational analyses (Alamut Visual Plus v.1.5.1) predict that this variant may impact splicing by weakening the nearby canonical donor splice site. However, without functional analyses the effect on splicing is unknown. Due to limited information, the clinical significance of this variant is uncertain at this time.

Ambry Genetics
Classification: Likely benign for Primary ciliary dyskinesia. Last evaluated: 2017-02-17. Review status: criteria provided, single submitter. Criteria: Ambry Variant Classification Scheme 2023. Collection method: clinical testing. Allele origin: germline.